The following is an entry in ClinVar:

ClinVar aggregate classification (germline): Pathogenic. Review status: criteria provided, multiple submitters, no conflicts (2 of 4 stars). 2 submissions from 2 submitters: Pathogenic (2). Last evaluated 2025-06-09.

Conditions:
Alstrom syndrome (ALMS). Identifiers: Orphanet 64, MedGen C0268425, MONDO:0008763, OMIM 203800.

gnomAD v4.1: 1 of 1,613,914 alleles (0.000062%); no homozygotes.

Submissions (2):

GeneDx
Classification: Pathogenic. Last evaluated: 2025-06-09. Review status: criteria provided, single submitter. Criteria: GeneDx Variant Classification Process June 2021. Collection method: clinical testing. Allele origin: germline.
Comment: Nonsense variant predicted to result in protein truncation or nonsense mediated decay in a gene for which loss of function is a known mechanism of disease; Not observed at significant frequency in large population cohorts (gnomAD); This variant is associated with the following publications: (PMID: 25846608)

Labcorp Genetics (formerly Invitae), Labcorp
Classification: Pathogenic for Alstrom syndrome. Last evaluated: 2022-12-02. Review status: criteria provided, single submitter. Criteria: Invitae Variant Classification Sherloc (09022015). Collection method: clinical testing. Allele origin: germline.
Comment: For these reasons, this variant has been classified as Pathogenic. This sequence change creates a premature translational stop signal (p.Ser1573*) in the ALMS1 gene. It is expected to result in an absent or disrupted protein product. Loss-of-function variants in ALMS1 are known to be pathogenic (PMID: 17594715). This variant is not present in population databases (gnomAD no frequency). This premature translational stop signal has been observed in individual(s) with Alstrom Syndrome (PMID: 25846608). ClinVar contains an entry for this variant (Variation ID: 1071884).

Literature cited by the submitters: PubMed 17594715 (cited by Labcorp Genetics (formerly Invitae), Labcorp); PubMed 25846608 (cited by Labcorp Genetics (formerly Invitae), Labcorp).

NM_001378454.1(ALMS1):c.4715C>G (p.Ser1572Ter)

Gene: ALMS1 (ALMS1 centrosome and basal body associated protein; plus strand). Cytogenetic location: 2p13.1.
Variant type: single nucleotide variant.
Coding change: c.4715C>G on transcript NM_001378454.1 (MANE Select); coding-DNA position 4715, C replaced by G.
Protein change: p.Ser1572Ter; replaces serine 1572 with a stop codon.
Molecular consequence: nonsense.
Genome position (GRCh38, 1-based): chr2:73,451,242, C>G. VCF-style: chr2-73451242-C-G. GRCh37 (hg19) VCF-style: chr2-73678369-C-G.
Other names: c.4718C>G, p.Ser1573Ter (NM_015120.4); short protein forms S1572*, S1573*.
Identifiers: ClinVar variation 1071884 (VCV001071884.8), dbSNP rs2103783763, ClinGen allele CA347279109.